The following is an entry in ClinVar:

NM_015215.4(CAMTA1):c.4510A>G (p.Ser1504Gly)

Gene: CAMTA1 (calmodulin binding transcription activator 1; plus strand). Cytogenetic location: 1p36.23.
Variant type: single nucleotide variant.
Coding change: c.4510A>G on transcript NM_015215.4 (MANE Select); coding-DNA position 4510, A replaced by G.
Protein change: p.Ser1504Gly; replaces serine 1504 with glycine.
Molecular consequence: missense variant.
Genome position (GRCh38, 1-based): chr1:7,745,984, A>G. VCF-style: chr1-7745984-A-G. GRCh37 (hg19) VCF-style: chr1-7806044-A-G.
Other names: c.4420A>G, p.Ser1474Gly (NM_001349608.2); c.4171A>G, p.Ser1391Gly (NM_001349609.2, NM_001349610.2, NM_001410737.1); c.4081A>G, p.Ser1361Gly (NM_001349612.2); c.1639A>G, p.Ser547Gly (NM_001349613.1); c.1582A>G, p.Ser528Gly (NM_001349614.1, NM_001349615.2, NM_001349616.2 and 2 more transcripts); c.1243A>G, p.Ser415Gly (NM_001349619.2, NM_001349620.1, NM_001349621.1 and 5 more transcripts); c.4099A>G, p.Ser1367Gly (NM_001410738.1); short protein forms S1361G, S1367G, S1391G, S1474G, S1504G, S415G, S528G, S547G.
Identifiers: ClinVar variation 3364335 (VCV003364335.1).

ClinVar aggregate classification (germline): Uncertain significance (1 of 4 stars; one submission).

gnomAD v4.1: 1 of 1,614,198 alleles (0.000062%); highest among the groups gnomAD compares: East Asian, 0.0022%; no homozygotes.

Submission:

GeneDx
Classification: Uncertain significance. Last evaluated: 2023-11-12. Review status: criteria provided, single submitter. Criteria: GeneDx Variant Classification Process June 2021. Collection method: clinical testing. Allele origin: germline. Affected: yes.
Comment: Not observed at significant frequency in large population cohorts (gnomAD); In silico analysis supports that this missense variant does not alter protein structure/function; Has not been previously published as pathogenic or benign to our knowledge